The following is an entry in ClinVar:

NM_000053.4(ATP7B):c.373A>G (p.Ile125Val)

Gene: ATP7B (ATPase copper transporting beta; minus strand). Cytogenetic location: 13q14.3.
Variant type: single nucleotide variant.
Coding change: c.373A>G on transcript NM_000053.4 (MANE Select); coding-DNA position 373, A replaced by G.
Protein change: p.Ile125Val; replaces isoleucine 125 with valine.
Molecular consequence: missense variant.
Genome position (GRCh38, 1-based): chr13:51,974,847, T>C on the plus strand (A>G on the coding strand, the complement: ATP7B is on the minus strand). VCF-style: chr13-51974847-T-C. GRCh37 (hg19) VCF-style: chr13-52548983-T-C.
Other names: c.373A>G, p.Ile125Val (NM_001406515.1, NM_001406516.1, NM_001406519.1 and 30 more transcripts); c.277A>G, p.Ile93Val (NM_001406517.1, NM_001406518.1, NM_001406536.1 and 4 more transcripts); short protein forms I125V, I93V.
Identifiers: ClinVar variation 3385847 (VCV003385847.1).

ClinVar aggregate classification (germline): Uncertain significance (1 of 4 stars; one submission).

Conditions:
Wilson disease (WND). Also called: Wilson's disease. Identifiers: Orphanet 905, MedGen C0019202, MONDO:0010200, OMIM 277900. Disease mechanism: loss of function.

Submission:

All of Us Research Program, National Institutes of Health
Classification: Uncertain significance for Wilson disease. Last evaluated: 2024-03-24. Review status: criteria provided, single submitter. Criteria: ACMG Guidelines, 2015. Collection method: clinical testing. Allele origin: germline. Inheritance: Autosomal recessive inheritance. Observed: 1 variant allele, 1 heterozygote.
Comment: This missense variant replaces isoleucine with valine at codon 125 of the ATP7B protein. Computational prediction suggests that this variant may not impact protein structure and function. To our knowledge, functional studies have not been reported for this variant. This variant has not been reported in individuals affected with ATP7B-related disorders in the literature. In a study of carrier frequency in Korean populations, this variant was reported in 1/1090 individuals unaffected with Wilson Disease (PMID: 28515472). This variant has not been identified in the general population by the Genome Aggregation Database (gnomAD). The available evidence is insufficient to determine the role of this variant in disease conclusively. Therefore, this variant is classified as a Variant of Uncertain Significance.

This study involves interpretation of variants in research participants for the purpose of population health screening. Participant phenotype was not available at the time of variant classification. Additional details can be found in publication PMID: 35346344, PMCID: PMC8962531

Literature cited by the submitters: PubMed 28515472.